The following is an entry in ClinVar:

ClinVar aggregate classification (germline): Uncertain significance (1 of 4 stars; one submission).

Conditions:
Cardiovascular phenotype. Identifiers: MedGen CN230736.

gnomAD v4.1: 6 of 1,576,966 alleles (0.00038%); highest among the groups gnomAD compares: East Asian, 0.0023%; no homozygotes.

Submission:

Ambry Genetics
Classification: Uncertain significance for Cardiovascular phenotype. Last evaluated: 2024-04-19. Review status: criteria provided, single submitter. Criteria: Ambry Variant Classification Scheme 2023. Collection method: clinical testing. Allele origin: germline.
Comment: The p.P3320L variant (also known as c.9959C>T), located in coding exon 28 of the TNXB gene, results from a C to T substitution at nucleotide position 9959. The proline at codon 3320 is replaced by leucine, an amino acid with similar properties. This amino acid position is conserved. In addition, the in silico prediction for this alteration is inconclusive. Based on the available evidence, the clinical significance of this variant remains unclear.

NM_001365276.2(TNXB):c.9965C>T (p.Pro3322Leu)

Gene: TNXB (tenascin XB; minus strand). Cytogenetic location: 6p21.33.
Variant type: single nucleotide variant.
Coding change: c.9965C>T on transcript NM_001365276.2 (MANE Select); coding-DNA position 9965, C replaced by T.
Protein change: p.Pro3322Leu; replaces proline 3322 with leucine.
Molecular consequence: missense variant.
Genome position (GRCh38, 1-based): chr6:32,048,443, G>A on the plus strand (C>T on the coding strand, the complement: TNXB is on the minus strand). VCF-style: chr6-32048443-G-A. GRCh37 (hg19) VCF-style: chr6-32016220-G-A.
Other names: c.9959C>T, p.Pro3320Leu (NM_019105.8); short protein forms P3320L, P3322L.
Identifiers: ClinVar variation 3327891 (VCV003327891.1).